The following is an entry in ClinVar:

ClinVar aggregate classification (germline): Conflicting classifications of pathogenicity. Review status: criteria provided, conflicting classifications (1 of 4 stars). 2 submissions from 2 submitters: Uncertain significance (1); Likely benign (1). Last evaluated 2025-10-10.

Allele frequency attached by ClinVar (database versions not stated): gnomAD 0.00001 and 0.00003; TOPMed 0.00003; ESP Exome Variant Server 0.00008.
gnomAD v4.1: 20 of 1,598,132 alleles (0.0013%); highest among the groups gnomAD compares: Middle Eastern, 0.033%; no homozygotes.

Submissions (2):

Labcorp Genetics (formerly Invitae), Labcorp
Classification: Uncertain significance. Last evaluated: 2025-10-10. Review status: criteria provided, single submitter. Criteria: Invitae Variant Classification Sherloc (09022015). Collection method: clinical testing. Allele origin: germline.
Comment: This sequence change affects codon 93 of the ITPR1 mRNA. It is a 'silent' change, meaning that it does not change the encoded amino acid sequence of the ITPR1 protein. It affects a nucleotide within the consensus splice site. The frequency data for this variant in the population databases is considered unreliable, as metrics indicate poor data quality at this position in the gnomAD database. This variant has not been reported in the literature in individuals affected with ITPR1-related conditions. ClinVar contains an entry for this variant (Variation ID: 388806). Algorithms developed to predict the effect of sequence changes on RNA splicing suggest that this variant is not likely to affect RNA splicing. In summary, the available evidence is currently insufficient to determine the role of this variant in disease. Therefore, it has been classified as a Variant of Uncertain Significance.

GeneDx
Classification: Likely benign. Last evaluated: 2016-08-25. Review status: criteria provided, single submitter. Criteria: GeneDx Variant Classification (06012015). Collection method: clinical testing. Allele origin: germline. Affected: yes.
Comment: This variant is considered likely benign or benign based on one or more of the following criteria: it is a conservative change, it occurs at a poorly conserved position in the protein, it is predicted to be benign by multiple in silico algorithms, and/or has population frequency not consistent with disease.

NM_001378452.1(ITPR1):c.279C>T (p.His93=)

Gene: ITPR1 (inositol 1,4,5-trisphosphate receptor type 1; plus strand). Cytogenetic location: 3p26.1.
Variant type: single nucleotide variant.
Coding change: c.279C>T on transcript NM_001378452.1 (MANE Select); coding-DNA position 279, C replaced by T.
Protein change: p.His93=; no amino-acid change (histidine 93 retained).
Molecular consequence: synonymous variant.
Genome position (GRCh38, 1-based): chr3:4,627,878, C>T. VCF-style: chr3-4627878-C-T. GRCh37 (hg19) VCF-style: chr3-4669562-C-T.
Other names: c.279C>T, p.His93= (NM_001099952.4, NM_001168272.2, NM_002222.7).
Identifiers: ClinVar variation 388806 (VCV000388806.4), dbSNP rs371299264, ClinGen allele CA16604479.